The following is an entry in ClinVar:

NM_000090.4(COL3A1):c.3525+19G>A

Gene: COL3A1 (collagen type III alpha 1 chain; plus strand). Cytogenetic location: 2q32.2.
Variant type: single nucleotide variant.
Coding change: c.3525+19G>A on transcript NM_000090.4 (MANE Select); 19 bases into the intron after coding-DNA position 3525, G replaced by A.
Molecular consequence: intron variant.
Genome position (GRCh38, 1-based): chr2:189,008,161, G>A. VCF-style: chr2-189008161-G-A. GRCh37 (hg19) VCF-style: chr2-189872887-G-A.
Identifiers: ClinVar variation 199704 (VCV000199704.9), dbSNP rs781061046, ClinGen allele CA006591.
Genomic context (GRCh38, chr2:189,008,161, plus strand): 5'-CCACCAGGGCCTCGAGGTAACAGAGGTGAAAGAGGATCTGAGGTAAGACATCACTTATAC[G>A]TATGTGTATTTAATTTGCTACAATCTTCCAATTTTCAGAAACACAGCGCATTATGTTTAA-3'

ClinVar aggregate classification (germline): Benign/Likely benign. Review status: criteria provided, multiple submitters, no conflicts (2 of 4 stars). 2 submissions from 2 submitters: Benign (1); Likely benign (1). Last evaluated 2025-10-22.

Conditions:
Ehlers-Danlos syndrome, type 4 (EDSVASC). Also called: Ehlers-Danlos syndrome vascular type; Ehlers Danlos syndrome, ecchymotic type; Ehlers Danlos syndrome, arterial type; Ehlers Danlos syndrome, Sack-Barabas type; Ehlers-Danlos Syndrome Type IV. Identifiers: Orphanet 286, MedGen C0268338, MONDO:0017314, OMIM 130050.

Allele frequency attached by ClinVar (database versions not stated): TOPMed 0.00004; gnomAD 0.00005 and 0.00010.
gnomAD v4.1: 44 of 1,533,774 alleles (0.0029%); highest among the groups gnomAD compares: African/African-American, 0.0054%; no homozygotes.

Submissions (2):

Labcorp Genetics (formerly Invitae), Labcorp
Classification: Likely benign for Ehlers-Danlos syndrome, type 4. Last evaluated: 2025-10-22. Review status: criteria provided, single submitter. Criteria: Invitae Variant Classification Sherloc (09022015). Collection method: clinical testing. Allele origin: germline.

GeneDx
Classification: Benign. Last evaluated: 2014-07-02. Review status: criteria provided, single submitter. Criteria: GeneDx Variant Classification (06012015). Collection method: clinical testing. Allele origin: germline. Affected: yes.
Comment: This variant is considered likely benign or benign based on one or more of the following criteria: it is a conservative change, it occurs at a poorly conserved position in the protein, it is predicted to be benign by multiple in silico algorithms, and/or has population frequency not consistent with disease.